The following is an entry in ClinVar:

NM_016219.5(MAN1B1):c.862G>A (p.Gly288Ser)

Gene: MAN1B1 (mannosidase alpha class 1B member 1; plus strand). Cytogenetic location: 9q34.3.
Variant type: single nucleotide variant.
Coding change: c.862G>A on transcript NM_016219.5 (MANE Select); coding-DNA position 862, G replaced by A.
Protein change: p.Gly288Ser; replaces glycine 288 with serine.
Molecular consequence: missense variant. On other transcripts: non-coding transcript variant (2).
Genome position (GRCh38, 1-based): chr9:137,099,827, G>A. VCF-style: chr9-137099827-G-A. GRCh37 (hg19) VCF-style: chr9-139994279-G-A.
Other names: short protein forms G288S.
Identifiers: ClinVar variation 1058338 (VCV001058338.6), dbSNP rs138090529, ClinGen allele CA5358809.

ClinVar aggregate classification (germline): Uncertain significance (1 of 4 stars; one submission).

Conditions:
Rafiq syndrome (RAFQS). Identifiers: Orphanet 88616, MedGen C3280127, MONDO:0013624, OMIM 614202.

Allele frequency attached by ClinVar (database versions not stated): gnomAD exomes 0.00004 and 0.00012; ExAC 0.00012; gnomAD 0.00026; TOPMed 0.00036; ESP Exome Variant Server 0.00054; 1000 Genomes Project 30x 0.00078; 1000 Genomes Project 0.00080.
gnomAD v4.1: 104 of 1,614,198 alleles (0.0064%); highest among the groups gnomAD compares: African/African-American, 0.097%; no homozygotes.

Submission:

Labcorp Genetics (formerly Invitae), Labcorp
Classification: Uncertain significance for Rafiq syndrome. Last evaluated: 2022-08-19. Review status: criteria provided, single submitter. Criteria: Invitae Variant Classification Sherloc (09022015). Collection method: clinical testing. Allele origin: germline.
Comment: This sequence change replaces glycine, which is neutral and non-polar, with serine, which is neutral and polar, at codon 288 of the MAN1B1 protein (p.Gly288Ser). This variant is present in population databases (rs138090529, gnomAD 0.1%). This variant has not been reported in the literature in individuals affected with MAN1B1-related conditions. ClinVar contains an entry for this variant (Variation ID: 1058338). Algorithms developed to predict the effect of missense changes on protein structure and function are either unavailable or do not agree on the potential impact of this missense change (SIFT: "Deleterious"; PolyPhen-2: "Probably Damaging"; Align-GVGD: "Class C0"). Algorithms developed to predict the effect of sequence changes on RNA splicing suggest that this variant may create or strengthen a splice site. In summary, the available evidence is currently insufficient to determine the role of this variant in disease. Therefore, it has been classified as a Variant of Uncertain Significance.